The following is an entry in ClinVar:

NM_020745.4(AARS2):c.2330G>A (p.Arg777His)

Gene: AARS2 (alanyl-tRNA synthetase 2, mitochondrial; minus strand). Cytogenetic location: 6p21.1.
Variant type: single nucleotide variant.
Coding change: c.2330G>A on transcript NM_020745.4 (MANE Select); coding-DNA position 2330, G replaced by A.
Protein change: p.Arg777His; replaces arginine 777 with histidine.
Molecular consequence: missense variant.
Genome position (GRCh38, 1-based): chr6:44,302,836, C>T on the plus strand (G>A on the coding strand, the complement: AARS2 is on the minus strand). VCF-style: chr6-44302836-C-T. GRCh37 (hg19) VCF-style: chr6-44270573-C-T.
Other names: short protein forms R777H.
Identifiers: ClinVar variation 3338774 (VCV003338774.2).

ClinVar aggregate classification (germline): Uncertain significance. Review status: criteria provided, multiple submitters, no conflicts (2 of 4 stars). 2 submissions from 2 submitters: Uncertain significance (2). Last evaluated 2025-04-14.

Conditions:
Inborn genetic diseases. Identifiers: MedGen C0950123, MeSH D030342.

gnomAD v4.1: 7 of 1,613,870 alleles (0.00043%); highest among the groups gnomAD compares: East Asian, 0.0022%; no homozygotes.

Submissions (2):

Ambry Genetics
Classification: Uncertain significance for Inborn genetic diseases. Last evaluated: 2025-04-14. Review status: criteria provided, single submitter. Criteria: Ambry Variant Classification Scheme 2023. Collection method: clinical testing. Allele origin: germline.

GeneDx
Classification: Uncertain significance. Last evaluated: 2024-02-09. Review status: criteria provided, single submitter. Criteria: GeneDx Variant Classification Process June 2021. Collection method: clinical testing. Allele origin: germline. Affected: yes.
Comment: Not observed at significant frequency in large population cohorts (gnomAD); In silico analysis supports that this missense variant has a deleterious effect on protein structure/function; Has not been previously published as pathogenic or benign to our knowledge